The following is an entry in ClinVar:

NM_033028.5(BBS4):c.1356C>T (p.Thr452=)

Gene: BBS4 (Bardet-Biedl syndrome 4; plus strand). Cytogenetic location: 15q24.1.
Variant type: single nucleotide variant.
Coding change: c.1356C>T on transcript NM_033028.5 (MANE Select); coding-DNA position 1356, C replaced by T.
Protein change: p.Thr452=; no amino-acid change (threonine 452 retained).
Molecular consequence: synonymous variant. On other transcripts: non-coding transcript variant (2).
Genome position (GRCh38, 1-based): chr15:72,736,869, C>T. VCF-style: chr15-72736869-C-T. GRCh37 (hg19) VCF-style: chr15-73029210-C-T.
Other names: c.840C>T, p.Thr280= (NM_001252678.2); c.1287C>T, p.Thr429= (NM_001320665.2); c.1356C>T (NM_033028.4).
Identifiers: ClinVar variation 2141708 (VCV002141708.5), dbSNP rs748096273, ClinGen allele CA7647006.

ClinVar aggregate classification (germline): Likely benign. Review status: criteria provided, multiple submitters, no conflicts (2 of 4 stars). 2 submissions from 2 submitters: Likely benign (2). Last evaluated 2025-09-30.

Conditions:
Bardet-Biedl syndrome (BBS). Identifiers: Orphanet 110, MedGen C0752166, MONDO:0015229.
BBS4-related disorder. Also called: BBS4-related condition.

Allele frequency attached by ClinVar (database versions not stated): TOPMed below 0.00001; ExAC 0.00001; gnomAD 0.00001.
gnomAD v4.1: 9 of 1,614,070 alleles (0.00056%); highest among the groups gnomAD compares: Admixed American, 0.0033%; no homozygotes.

Submissions (2):

PreventionGenetics, part of Exact Sciences
Classification: Likely benign for BBS4-related condition. Last evaluated: 2025-09-30. Review status: criteria provided, single submitter. Criteria: ACMG Guidelines, 2015. Collection method: clinical testing. Allele origin: germline.
Comment: This variant is classified as likely benign based on ACMG/AMP sequence variant interpretation guidelines (Richards et al. 2015 PMID: 25741868, with internal and published modifications).

Labcorp Genetics (formerly Invitae), Labcorp
Classification: Likely benign for Bardet-Biedl syndrome. Last evaluated: 2024-08-10. Review status: criteria provided, single submitter. Criteria: Invitae Variant Classification Sherloc (09022015). Collection method: clinical testing. Allele origin: germline.